The following is an entry in ClinVar:

NM_144569.7(SPOCD1):c.1749A>G (p.Glu583=)

Gene: SPOCD1 (SPOC domain containing 1; minus strand). Cytogenetic location: 1p35.2.
Variant type: single nucleotide variant.
Coding change: c.1749A>G on transcript NM_144569.7 (MANE Select); coding-DNA position 1749, A replaced by G.
Protein change: p.Glu583=; no amino-acid change (glutamic acid 583 retained).
Molecular consequence: synonymous variant.
Genome position (GRCh38, 1-based): chr1:31,799,843, T>C on the plus strand (A>G on the coding strand, the complement: SPOCD1 is on the minus strand). VCF-style: chr1-31799843-T-C. GRCh37 (hg19) VCF-style: chr1-32265444-T-C.
Other names: c.1749A>G, p.Glu583= (NM_001281987.3); c.228A>G, p.Glu76= (NM_001281988.3).
Identifiers: ClinVar variation 5040660 (VCV005040660.1).

ClinVar aggregate classification (germline): Likely benign (1 of 4 stars; one submission).

Submission:

CeGaT Center for Human Genetics Tuebingen
Classification: Likely benign. Last evaluated: 2026-08-01. Review status: criteria provided, single submitter. Criteria: CeGaT Center For Human Genetics Tuebingen Variant Classification Criteria Version 2. Collection method: clinical testing. Allele origin: germline. Affected: yes. Observed: 1 variant allele.
Comment: SPOCD1: PM2:Supporting, BP4, BP7